The following is an entry in ClinVar:

ClinVar aggregate classification (germline): Pathogenic (1 of 4 stars; one submission).

Submission:

GeneDx
Classification: Pathogenic. Last evaluated: 2016-08-18. Review status: criteria provided, single submitter. Criteria: GeneDx Variant Classification (06012015). Collection method: clinical testing. Allele origin: germline. Affected: yes.
Comment: The c.1515delT pathogenic variant in the SATB2 gene has not been reported previously as a pathogenic variant nor as a benign variant, to our knowledge. The c.1515delT variant causes a frameshift starting with codon Phenylalanine 505, changes this amino acid to a Leucine residue, and creates a premature Stop codon at position 41 of the new reading frame, denoted p.Phe505LeufsX41. This variant is predicted to cause loss of normal protein function either through protein truncation or nonsense-mediated mRNA decay. The c.1515delT variant was not observed in approximately 6,500 individuals of European and African American ancestry in the NHLBI Exome Sequencing Project, indicating it is not a common benign variant in these populations. We interpret c.1515delT as a pathogenic variant.

NM_001172509.2(SATB2):c.1515del (p.Phe505fs)

Gene: SATB2 (SATB homeobox 2; minus strand). Cytogenetic location: 2q33.1.
Variant type: Deletion.
Coding change: c.1515del on transcript NM_001172509.2 (MANE Select); coding-DNA position 1515, one base deleted (T; older notation c.1515delT).
Protein change: p.Phe505fs; shifts the reading frame from phenylalanine 505.
Molecular consequence: frameshift variant.
Genome position (GRCh38, 1-based): chr2:199,323,830, A deleted on the plus strand (T on the coding strand, the reverse complement: SATB2 is on the minus strand); the first of 3 consecutive A bases (chr2:199,323,830-199,323,832); deleting any one gives the same sequence. VCF-style (leftmost placement, unchanged base first): chr2-199323829-CA-C. GRCh37 (hg19) VCF-style: chr2-200188552-CA-C.
Other names: c.1515del, p.Phe505fs (NM_001172517.1, NM_015265.4); short protein forms F505fs.
Identifiers: ClinVar variation 265695 (VCV000265695.2), dbSNP rs886039740, ClinGen allele CA10588329.